The following is an entry in ClinVar:

ClinVar aggregate classification (germline): Uncertain significance (1 of 4 stars; one submission).

Conditions:
Cardiovascular phenotype. Identifiers: MedGen CN230736.

Allele frequency attached by ClinVar (database versions not stated): gnomAD exomes below 0.00001.
gnomAD v4.1: 1 of 1,612,326 alleles (0.000062%); highest among the groups gnomAD compares: African/African-American, 0.0013%; no homozygotes.

Submission:

Ambry Genetics
Classification: Uncertain significance for Cardiovascular phenotype. Last evaluated: 2025-12-16. Review status: criteria provided, single submitter. Criteria: Ambry Variant Classification Scheme 2023. Collection method: clinical testing. Allele origin: germline.
Comment: The p.Y704C variant (also known as c.2111A>G), located in coding exon 15 of the TRPM4 gene, results from an A to G substitution at nucleotide position 2111. The tyrosine at codon 704 is replaced by cysteine, an amino acid with highly dissimilar properties. This amino acid position is well conserved in available vertebrate species; however, cysteine is the reference amino acid in other vertebrate species. In addition, this alteration is predicted to be tolerated by in silico analysis. Since supporting evidence is limited at this time, the clinical significance of this alteration remains unclear.

NM_017636.4(TRPM4):c.2111A>G (p.Tyr704Cys)

Gene: TRPM4 (transient receptor potential cation channel subfamily M member 4; plus strand). Cytogenetic location: 19q13.33.
Variant type: single nucleotide variant.
Coding change: c.2111A>G on transcript NM_017636.4 (MANE Select); coding-DNA position 2111, A replaced by G.
Protein change: p.Tyr704Cys; replaces tyrosine 704 with cysteine.
Molecular consequence: missense variant.
Genome position (GRCh38, 1-based): chr19:49,190,299, A>G. VCF-style: chr19-49190299-A-G. GRCh37 (hg19) VCF-style: chr19-49693556-A-G.
Other names: c.2111A>G, p.Tyr704Cys (NM_001195227.2); c.1766A>G, p.Tyr589Cys (NM_001321281.2); c.503A>G, p.Tyr168Cys (NM_001321282.2); c.1589A>G, p.Tyr530Cys (NM_001321283.2); c.1049A>G, p.Tyr350Cys (NM_001321285.2); short protein forms Y530C, Y589C, Y350C, Y168C, Y704C.
Identifiers: ClinVar variation 1786114 (VCV001786114.3), dbSNP rs771611479, ClinGen allele CA406805491.